The following is an entry in ClinVar:

NM_001127898.4(CLCN5):c.2320C>G (p.Arg774Gly)

Genes: CLCN5 (chloride voltage-gated channel 5; plus strand), LOC126863258 (BRD4-independent group 4 enhancer GRCh37_chrX:49854497-49855696; plus strand). Cytogenetic location: Xp11.23.
Variant type: single nucleotide variant.
Coding change: c.2320C>G on transcript NM_001127898.4 (MANE Select); coding-DNA position 2320, C replaced by G.
Protein change: p.Arg774Gly; replaces arginine 774 with glycine.
Molecular consequence: missense variant.
Genome position (GRCh38, 1-based): chrX:50,090,846, C>G. VCF-style: chrX-50090846-C-G. GRCh37 (hg19) VCF-style: chrX-49855503-C-G.
Other names: c.2110C>G, p.Arg704Gly (NM_000084.5); c.2320C>G, p.Arg774Gly (NM_001127899.4); c.2170C>G, p.Arg724Gly (NM_001282163.2); short protein forms R704G, R724G, R774G.
Identifiers: ClinVar variation 3612594 (VCV003612594.2).
Genomic context (GRCh38, chrX:50,090,846, plus strand): 5'-GATCTCAGCCCCTTCACTGTGACTGACCTTACACCCATGGAGATCGTAGTGGATATTTTC[C>G]GAAAGCTGGGACTGCGGCAGTGCCTGGTTACACACAACGGGTAAGAAGTCTTGAGTGAAG-3'
Protein context (NP_001121370.1, residues 764-784): TPMEIVVDIF[Arg774Gly]KLGLRQCLVT

ClinVar aggregate classification (germline): Uncertain significance (1 of 4 stars; one submission).

Submission:

Labcorp Genetics (formerly Invitae), Labcorp
Classification: Uncertain significance. Last evaluated: 2025-01-18. Review status: criteria provided, single submitter. Criteria: Invitae Variant Classification Sherloc (09022015). Collection method: clinical testing. Allele origin: germline.
Comment: This sequence change replaces arginine, which is basic and polar, with glycine, which is neutral and non-polar, at codon 704 of the CLCN5 protein (p.Arg704Gly). This variant is not present in population databases (gnomAD no frequency). This variant has not been reported in the literature in individuals affected with CLCN5-related conditions. Invitae Evidence Modeling of protein sequence and biophysical properties (such as structural, functional, and spatial information, amino acid conservation, physicochemical variation, residue mobility, and thermodynamic stability) indicates that this missense variant is not expected to disrupt CLCN5 protein function with a negative predictive value of 80%. In summary, the available evidence is currently insufficient to determine the role of this variant in disease. Therefore, it has been classified as a Variant of Uncertain Significance.